The following is an entry in ClinVar:

NM_001211.6(BUB1B):c.281A>G (p.Lys94Arg)

Gene: BUB1B (BUB1 mitotic checkpoint serine/threonine kinase B; plus strand). Cytogenetic location: 15q15.1.
Variant type: single nucleotide variant.
Coding change: c.281A>G on transcript NM_001211.6 (MANE Select); coding-DNA position 281, A replaced by G.
Protein change: p.Lys94Arg; replaces lysine 94 with arginine.
Molecular consequence: missense variant.
Genome position (GRCh38, 1-based): chr15:40,170,578, A>G. VCF-style: chr15-40170578-A-G. GRCh37 (hg19) VCF-style: chr15-40462779-A-G.
Other names: short protein forms K94R.
Identifiers: ClinVar variation 1796414 (VCV001796414.4), dbSNP rs767044701, ClinGen allele CA7475442.

ClinVar aggregate classification (germline): Uncertain significance. Review status: criteria provided, multiple submitters, no conflicts (2 of 4 stars). 2 submissions from 2 submitters: Uncertain significance (2). Last evaluated 2024-04-08.

Conditions:
Inborn genetic diseases. Identifiers: MedGen C0950123, MeSH D030342.
Mosaic variegated aneuploidy syndrome 1 (MVA1). Also called: Warburton-Anyane-Yeboa syndrome. Identifiers: Orphanet 1052, MedGen C1850343, MONDO:0009759, OMIM 257300.

Allele frequency attached by ClinVar (database versions not stated): gnomAD exomes 0.00001; ExAC 0.00002.

Submissions (2):

Labcorp Genetics (formerly Invitae), Labcorp
Classification: Uncertain significance for Mosaic variegated aneuploidy syndrome 1. Last evaluated: 2024-04-08. Review status: criteria provided, single submitter. Criteria: Invitae Variant Classification Sherloc (09022015). Collection method: clinical testing. Allele origin: germline.
Comment: This sequence change replaces lysine, which is basic and polar, with arginine, which is basic and polar, at codon 94 of the BUB1B protein (p.Lys94Arg). This variant is present in population databases (rs767044701, gnomAD 0.004%). This variant has not been reported in the literature in individuals affected with BUB1B-related conditions. ClinVar contains an entry for this variant (Variation ID: 1796414). An algorithm developed to predict the effect of missense changes on protein structure and function (PolyPhen-2) suggests that this variant is likely to be disruptive. In summary, the available evidence is currently insufficient to determine the role of this variant in disease. Therefore, it has been classified as a Variant of Uncertain Significance.

Ambry Genetics
Classification: Uncertain significance for Inborn genetic diseases. Last evaluated: 2023-11-09. Review status: criteria provided, single submitter. Criteria: Ambry Variant Classification Scheme 2023. Collection method: clinical testing. Allele origin: germline.
Comment: The p.K94R variant (also known as c.281A>G), located in coding exon 4 of the BUB1B gene, results from an A to G substitution at nucleotide position 281. The lysine at codon 94 is replaced by arginine, an amino acid with highly similar properties. This amino acid position is conserved. In addition, this alteration is predicted to be tolerated by in silico analysis. Since supporting evidence is limited at this time, the clinical significance of this alteration remains unclear.